The following is an entry in ClinVar:

ClinVar aggregate classification (germline): Uncertain significance (1 of 4 stars; one submission).

Conditions:
Cystic fibrosis (CF). Also called: MUCOVISCIDOSIS. Identifiers: Orphanet 586, MedGen C0010674, MONDO:0009061, OMIM 219700. Disease mechanism: loss of function.

Submission:

Ambry Genetics
Classification: Uncertain significance for Cystic fibrosis. Last evaluated: 2023-06-01. Review status: criteria provided, single submitter. Criteria: Ambry Variant Classification Scheme 2023. Collection method: clinical testing. Allele origin: germline.
Comment: The p.L1279F variant (also known as c.3837G>T), located in coding exon 23 of the CFTR gene, results from a G to T substitution at nucleotide position 3837. The leucine at codon 1279 is replaced by phenylalanine, an amino acid with highly similar properties. This amino acid position is conserved. In addition, the in silico prediction for this alteration is inconclusive. Since supporting evidence is limited at this time, the clinical significance of this alteration remains unclear.

NM_000492.4(CFTR):c.3837G>T (p.Leu1279Phe)

Genes: CFTR (CF transmembrane conductance regulator; plus strand), CFTR-AS2 (CFTR antisense RNA 2; minus strand). Cytogenetic location: 7q31.2.
Variant type: single nucleotide variant.
Coding change: c.3837G>T on transcript NM_000492.4 (MANE Select); coding-DNA position 3837, G replaced by T.
Protein change: p.Leu1279Phe; replaces leucine 1279 with phenylalanine.
Molecular consequence: missense variant.
Genome position (GRCh38, 1-based): chr7:117,642,557, G>T. VCF-style: chr7-117642557-G-T. GRCh37 (hg19) VCF-style: chr7-117282611-G-T.
Other names: short protein forms L1279F.
Identifiers: ClinVar variation 2567899 (VCV002567899.2), dbSNP rs2485160083, ClinGen allele CA368975381.